The following is an entry in ClinVar:

ClinVar aggregate classification (germline): Uncertain significance. Review status: criteria provided, multiple submitters, no conflicts (2 of 4 stars). 2 submissions from 2 submitters: Uncertain significance (2). Last evaluated 2026-02-04.

Conditions:
Rienhoff syndrome. Also called: LOEYS-DIETZ SYNDROME 5. Identifiers: MedGen C3810012, MONDO:0014262, OMIM 615582.

gnomAD v4.1: 1 of 1,614,104 alleles (0.000062%); highest among the groups gnomAD compares: Non-Finnish European, 0.000085%; no homozygotes.

Submissions (2):

GeneDx
Classification: Uncertain significance. Last evaluated: 2026-02-04. Review status: criteria provided, single submitter. Criteria: GeneDx Variant Classification Process June 2021. Collection method: clinical testing. Allele origin: germline.
Comment: Not observed at significant frequency in large population cohorts (gnomAD); In silico analysis supports that this missense variant has a deleterious effect on protein structure/function; Has not been previously published as pathogenic or benign to our knowledge

Labcorp Genetics (formerly Invitae), Labcorp
Classification: Uncertain significance for Rienhoff syndrome. Last evaluated: 2020-09-09. Review status: criteria provided, single submitter. Criteria: Invitae Variant Classification Sherloc (09022015). Collection method: clinical testing. Allele origin: germline.
Comment: In summary, the available evidence is currently insufficient to determine the role of this variant in disease. Therefore, it has been classified as a Variant of Uncertain Significance. Algorithms developed to predict the effect of missense changes on protein structure and function are either unavailable or do not agree on the potential impact of this missense change (SIFT: "Tolerated"; PolyPhen-2: "Probably Damaging"; Align-GVGD: "Class C0"). This variant has not been reported in the literature in individuals with TGFB3-related conditions. This variant is not present in population databases (ExAC no frequency). This sequence change replaces valine with aspartic acid at codon 392 of the TGFB3 protein (p.Val392Asp). The valine residue is highly conserved and there is a large physicochemical difference between valine and aspartic acid.

NM_003239.5(TGFB3):c.1175T>A (p.Val392Asp)

Gene: TGFB3 (transforming growth factor beta 3; minus strand). Cytogenetic location: 14q24.3.
Variant type: single nucleotide variant.
Coding change: c.1175T>A on transcript NM_003239.5 (MANE Select); coding-DNA position 1175, T replaced by A.
Protein change: p.Val392Asp; replaces valine 392 with aspartic acid.
Molecular consequence: missense variant.
Genome position (GRCh38, 1-based): chr14:75,959,251, A>T on the plus strand (T>A on the coding strand, the complement: TGFB3 is on the minus strand). VCF-style: chr14-75959251-A-T. GRCh37 (hg19) VCF-style: chr14-76425594-A-T.
Other names: c.1175T>A (NM_003239.2); c.1175T>A, p.Val392Asp (NM_001329939.2); short protein forms V392D.
Identifiers: ClinVar variation 1019171 (VCV001019171.10), dbSNP rs759168311, ClinGen allele CA390466896.